The following is an entry in ClinVar:

NM_001171.6(ABCC6):c.4382G>A (p.Arg1461His)

Genes: ABCC6 (ATP binding cassette subfamily C member 6; minus strand), LOC125146421 (Sharpr-MPRA regulatory region 15590; plus strand). Cytogenetic location: 16p13.11.
Variant type: single nucleotide variant.
Coding change: c.4382G>A on transcript NM_001171.6 (MANE Select); coding-DNA position 4382, G replaced by A.
Protein change: p.Arg1461His; replaces arginine 1461 with histidine.
Molecular consequence: missense variant. On other transcripts: non-coding transcript variant (1).
Genome position (GRCh38, 1-based): chr16:16,150,599, C>T on the plus strand (G>A on the coding strand, the complement: ABCC6 is on the minus strand). VCF-style: chr16-16150599-C-T. GRCh37 (hg19) VCF-style: chr16-16244456-C-T.
Other names: c.4382G>A (NM_001171.5); c.4040G>A, p.Arg1347His (NM_001351800.1); short protein forms R1347H, R1461H.
Identifiers: ClinVar variation 1469680 (VCV001469680.8), dbSNP rs57288618, ClinGen allele CA7925214.
Genomic context (GRCh38, chr16:16,150,599, plus strand): 5'-CAGGGCTGCTGTGAGGTCAGGCCGGGGCGGGAGCCTTACCGGGCACAGTCCATCACGGAG[C>T]GCAGGCGGTGGGCAATGAGCAGCACAGTGCACTGTGCAAACCAGCTCCCGAGCATGGCCT-3'
Protein context (NP_001162.5, residues 1451-1471): CTVLLIAHRL[Arg1461His]SVMDCARVLV

ClinVar aggregate classification (germline): Uncertain significance. Review status: criteria provided, multiple submitters, no conflicts (2 of 4 stars). 3 submissions from 3 submitters: Uncertain significance (3). Last evaluated 2024-12-30.

Conditions:
ABCC6-related disorder. Also called: ABCC6-related condition.
Autosomal recessive inherited pseudoxanthoma elasticum (PXE). Identifiers: Orphanet 758, MedGen CN032334, MONDO:0009925, OMIM 264800.
Pseudoxanthoma elasticum, forme fruste. Also called: Pseudoxanthoma Elasticum, Incomplete; PSEUDOXANTHOMA ELASTICUM, HETEROZYGOUS. Identifiers: Orphanet 758, MedGen C1867450, MONDO:0008333, OMIM 177850.
Arterial calcification, generalized, of infancy, 2. Identifiers: Orphanet 51608, MedGen C3276161, MONDO:0013768, OMIM 614473.

Allele frequency attached by ClinVar (database versions not stated): ExAC 0.00003; gnomAD exomes 0.00004 and 0.00007.
gnomAD v4.1: 116 of 1,612,028 alleles (0.0072%); highest among the groups gnomAD compares: Non-Finnish European, 0.0081%; 1 homozygote.

Submissions (3):

PreventionGenetics, part of Exact Sciences
Classification: Uncertain significance for ABCC6-related condition. Last evaluated: 2024-12-30. Review status: criteria provided, single submitter. Criteria: ACMG Guidelines, 2015. Collection method: clinical testing. Allele origin: germline.
Comment: The ABCC6 c.4382G>A variant is predicted to result in the amino acid substitution p.Arg1461His. To our knowledge, this variant has not been reported in the literature. This variant is reported in 0.0099% of alleles in individuals of European (Non-Finnish) descent in gnomAD. At this time, the clinical significance of this variant is uncertain due to the absence of conclusive functional and genetic evidence.

Fulgent Genetics
Classification: Uncertain significance for Pseudoxanthoma elasticum, forme fruste; Autosomal recessive inherited pseudoxanthoma elasticum; Arterial calcification, generalized, of infancy, 2. Last evaluated: 2024-03-04. Review status: criteria provided, single submitter. Criteria: ACMG Guidelines, 2015. Collection method: clinical testing. Allele origin: germline.

Labcorp Genetics (formerly Invitae), Labcorp
Classification: Uncertain significance. Last evaluated: 2022-04-23. Review status: criteria provided, single submitter. Criteria: Invitae Variant Classification Sherloc (09022015). Collection method: clinical testing. Allele origin: germline.
Comment: This sequence change replaces arginine, which is basic and polar, with histidine, which is basic and polar, at codon 1461 of the ABCC6 protein (p.Arg1461His). This variant is present in population databases (rs57288618, gnomAD 0.009%). This variant has not been reported in the literature in individuals affected with ABCC6-related conditions. Advanced modeling of protein sequence and biophysical properties (such as structural, functional, and spatial information, amino acid conservation, physicochemical variation, residue mobility, and thermodynamic stability) performed at Invitae indicates that this missense variant is not expected to disrupt ABCC6 protein function. In summary, the available evidence is currently insufficient to determine the role of this variant in disease. Therefore, it has been classified as a Variant of Uncertain Significance.